The following is an entry in ClinVar:

NM_016034.5(MRPS2):c.471C>T (p.Asn157=)

Genes: MRPS2 (mitochondrial ribosomal protein S2; plus strand), LOC101928525 (uncharacterized LOC101928525; minus strand). Cytogenetic location: 9q34.3.
Variant type: single nucleotide variant.
Coding change: c.471C>T on transcript NM_016034.5 (MANE Select); coding-DNA position 471, C replaced by T.
Protein change: p.Asn157=; no amino-acid change (asparagine 157 retained).
Molecular consequence: synonymous variant. On other transcripts: non-coding transcript variant (4).
Genome position (GRCh38, 1-based): chr9:135,503,713, C>T. VCF-style: chr9-135503713-C-T. GRCh37 (hg19) VCF-style: chr9-138395559-C-T.
Other names: c.471C>T, p.Asn157= (NM_001371401.1).
Identifiers: ClinVar variation 2059751 (VCV002059751.10), dbSNP rs751880744, ClinGen allele CA5323950.

ClinVar aggregate classification (germline): Likely benign. Review status: criteria provided, multiple submitters, no conflicts (2 of 4 stars). 2 submissions from 2 submitters: Likely benign (2). Last evaluated 2025-10-19.

Allele frequency attached by ClinVar (database versions not stated): gnomAD 0.00021; TOPMed 0.00024; ExAC 0.00027; gnomAD exomes 0.00043.
gnomAD v4.1: 656 of 1,613,556 alleles (0.041%); highest among the groups gnomAD compares: Non-Finnish European, 0.05%; no homozygotes.

Submissions (2):

Labcorp Genetics (formerly Invitae), Labcorp
Classification: Likely benign. Last evaluated: 2025-10-19. Review status: criteria provided, single submitter. Criteria: Invitae Variant Classification Sherloc (09022015). Collection method: clinical testing. Allele origin: germline.

CeGaT Center for Human Genetics Tuebingen
Classification: Likely benign. Last evaluated: 2025-10-01. Review status: criteria provided, single submitter. Criteria: CeGaT Center For Human Genetics Tuebingen Variant Classification Criteria Version 2. Collection method: clinical testing. Allele origin: germline. Affected: yes. Observed: 1 variant allele.
Comment: MRPS2: BP4, BP7